The following is an entry in ClinVar:

ClinVar aggregate classification (germline): Uncertain significance (1 of 4 stars; one submission).

Conditions:
Osteogenesis imperfecta type I (OI1). Also called: Lobstein disease; OI, TYPE I; OSTEOGENESIS IMPERFECTA TARDA; OSTEOGENESIS IMPERFECTA WITH BLUE SCLERAE; Osteogenesis imperfecta type 1; Lobstein's Disease. Identifiers: Orphanet 216796, Orphanet 666, MedGen C0023931, MONDO:0008146, OMIM 166200. Disease mechanism: loss of function.
Ehlers-Danlos syndrome, classic type, 1 (EDSCL1). Also called: EDS I; EHLERS-DANLOS SYNDROME, GRAVIS TYPE; EHLERS-DANLOS SYNDROME, SEVERE CLASSIC TYPE; Ehlers-Danlos syndrome, type 1; Ehlers-Danlos Syndrome, Classic Type, COL5A1-Related. Identifiers: MedGen C0268335, MONDO:0019567, OMIM 130000.

Submission:

Labcorp Genetics (formerly Invitae), Labcorp
Classification: Uncertain significance for Osteogenesis imperfecta type I; Ehlers-Danlos syndrome, classic type, 1. Last evaluated: 2023-12-08. Review status: criteria provided, single submitter. Criteria: Invitae Variant Classification Sherloc (09022015). Collection method: clinical testing. Allele origin: germline.
Comment: This sequence change replaces methionine, which is neutral and non-polar, with threonine, which is neutral and polar, at codon 93 of the COL1A2 protein (p.Met93Thr). This variant is not present in population databases (gnomAD no frequency). This variant has not been reported in the literature in individuals affected with COL1A2-related conditions. Experimental studies and prediction algorithms are not available or were not evaluated, and the functional significance of this variant is currently unknown. In summary, the available evidence is currently insufficient to determine the role of this variant in disease. Therefore, it has been classified as a Variant of Uncertain Significance.

NM_000089.4(COL1A2):c.278T>C (p.Met93Thr)

Gene: COL1A2 (collagen type I alpha 2 chain; plus strand). Cytogenetic location: 7q21.3.
Variant type: single nucleotide variant.
Coding change: c.278T>C on transcript NM_000089.4 (MANE Select); coding-DNA position 278, T replaced by C.
Protein change: p.Met93Thr; replaces methionine 93 with threonine.
Molecular consequence: missense variant.
Genome position (GRCh38, 1-based): chr7:94,401,619, T>C. VCF-style: chr7-94401619-T-C. GRCh37 (hg19) VCF-style: chr7-94030931-T-C.
Other names: short protein forms M93T.
Identifiers: ClinVar variation 2954461 (VCV002954461.3), dbSNP rs2484695565, ClinGen allele CA368219406.